The following is an entry in ClinVar:

NM_001267550.2(TTN):c.83161C>T (p.Gln27721Ter)

Genes: TTN (titin; minus strand), TTN-AS1 (TTN antisense RNA 1; plus strand). Cytogenetic location: 2q31.2.
Variant type: single nucleotide variant.
Coding change: c.83161C>T on transcript NM_001267550.2 (MANE Select); coding-DNA position 83161, C replaced by T.
Protein change: p.Gln27721Ter; replaces glutamine 27721 with a stop codon.
Molecular consequence: nonsense.
Genome position (GRCh38, 1-based): chr2:178,562,971, G>A on the plus strand (C>T on the coding strand, the complement: TTN is on the minus strand). VCF-style: chr2-178562971-G-A. GRCh37 (hg19) VCF-style: chr2-179427698-G-A.
Other names: c.56341C>T, p.Gln18781Ter (NM_133432.3); c.56542C>T, p.Gln18848Ter (NM_133437.4); c.78238C>T, p.Gln26080Ter (NM_001256850.1); c.55966C>T, p.Gln18656Ter (NM_003319.4); c.75457C>T, p.Gln25153Ter (NM_133378.4); short protein forms Q18781*, Q18848*, Q25153*, Q18656*, Q26080*, Q27721*.
Identifiers: ClinVar variation 5031462 (VCV005031462.1).
Genomic context (GRCh38, chr2:178,562,971, plus strand): 5'-TGTCAAATCTGGTAACATTATCAATCACCAACATTGTAAATGAGCTGGTCACCTCTATCT[G>A]AGCCCTGTCAGTGAGAATGCCTTCTGCCTTTTCCCATTTAACTTCGGGTTCTGGTCGACC-3'

ClinVar aggregate classification (germline): Likely pathogenic (1 of 4 stars; one submission).

Conditions:
Cardiovascular phenotype. Identifiers: MedGen CN230736.

Submission:

Ambry Genetics
Classification: Likely pathogenic for Cardiovascular phenotype. Last evaluated: 2026-07-10. Review status: criteria provided, single submitter. Criteria: Ambry Variant Classification Scheme 2023. Collection method: clinical testing. Allele origin: germline.
Comment: The p.Q18656* variant (also known as c.55966C>T), located in coding exon 153 of the TTN gene, results from a C to T substitution at nucleotide position 55966. This changes the amino acid from a glutamine to a stop codon within coding exon 153. This exon is located in the A-band region of the N2-B isoform of the titin protein and is constitutively expressed in TTN transcripts (percent spliced in or PSI 100%). This variant is considered to be rare based on population cohorts in the Genome Aggregation Database (gnomAD). This variant is expected to result in loss of function by premature protein truncation or nonsense-mediated mRNA decay. While truncating variants in TTN are present in 1-3% of the general population, truncating variants in the A-band are the most common cause of dilated cardiomyopathy (Herman DS et al. N. Engl. J. Med., 2012 Feb;366:619-28; Roberts AM et al. Sci Transl Med, 2015 Jan;7:270ra6). TTN truncating variants encoded in constitutive exons (PSI >90%) have been found to be significantly associated with DCM regardless of their position in titin (Schafer S et al. Nat. Genet., 2017 01;49:46-53; Akhtar MM et al. Circ Heart Fail, 2020 Oct;13:e006832; Massier M et al. Clin Genet, 2025 Jan). Based on the majority of available evidence to date, this variant is likely to be pathogenic.